The following is an entry in ClinVar:

NM_001267550.2(TTN):c.21944C>T (p.Ala7315Val)

Gene: TTN (titin; minus strand). Cytogenetic location: 2q31.2.
Variant type: single nucleotide variant.
Coding change: c.21944C>T on transcript NM_001267550.2 (MANE Select); coding-DNA position 21944, C replaced by T.
Protein change: p.Ala7315Val; replaces alanine 7315 with valine.
Molecular consequence: missense variant. On other transcripts: intron variant (3).
Genome position (GRCh38, 1-based): chr2:178,723,063, G>A on the plus strand (C>T on the coding strand, the complement: TTN is on the minus strand). VCF-style: chr2-178723063-G-A. GRCh37 (hg19) VCF-style: chr2-179587790-G-A.
Other names: p.A6998V:GCT>GTT; c.20993C>T, p.Ala6998Val (NM_001256850.1); c.18212C>T, p.Ala6071Val (NM_133378.4); c.13282+15019C>T (NM_003319.4); c.13858+15019C>T (NM_133437.4); c.13657+15019C>T (NM_133432.3); short protein forms A6998V, A7315V, A6071V.
Identifiers: ClinVar variation 203305 (VCV000203305.2), dbSNP rs771646076, ClinGen allele CA311983.

ClinVar aggregate classification (germline): Uncertain significance (1 of 4 stars; one submission).

Allele frequency attached by ClinVar (database versions not stated): gnomAD exomes 0.00001; TOPMed 0.00001; ExAC 0.00001.
gnomAD v4.1: 10 of 1,613,418 alleles (0.00062%); highest among the groups gnomAD compares: Non-Finnish European, 0.00085%; no homozygotes.

Submission:

GeneDx
Classification: Uncertain significance. Last evaluated: 2017-01-24. Review status: criteria provided, single submitter. Criteria: GeneDx Variant Classification (06012015). Collection method: clinical testing. Allele origin: germline. Affected: yes.
Comment: Missense variants in the TTN gene are considered 'unclassified' if they are not previously reported in the literature and do not have >1% frequency in the population to be considered a polymorphism. Research indicates that truncating mutations in the TTN gene are expected to account for approximately 25% of familial and 18% of sporadic idiopathic DCM; however, truncating variants in the TTN gene have been reported in approximately 3% of reported control alleles. There has been little investigation into non-truncating variants. (Herman D et al. Truncations of titin causing dilated cardiomyopathy. N Eng J Med 366:619-628, 2012) The variant is found in DCM panel(s).